The following is an entry in ClinVar:

NM_017947.4(MOCOS):c.2339T>C (p.Ile780Thr)

Gene: MOCOS (molybdenum cofactor sulfurase; plus strand). Cytogenetic location: 18q12.2.
Variant type: single nucleotide variant.
Coding change: c.2339T>C on transcript NM_017947.4 (MANE Select); coding-DNA position 2339, T replaced by C.
Protein change: p.Ile780Thr; replaces isoleucine 780 with threonine.
Molecular consequence: missense variant.
Genome position (GRCh38, 1-based): chr18:36,260,105, T>C. VCF-style: chr18-36260105-T-C. GRCh37 (hg19) VCF-style: chr18-33840068-T-C.
Other names: short protein forms I780T.
Identifiers: ClinVar variation 1487215 (VCV001487215.6), dbSNP rs2144151823, ClinGen allele CA402291046.

ClinVar aggregate classification (germline): Uncertain significance (1 of 4 stars; one submission).

Conditions:
Xanthinuria type II. Also called: Xanthine dehydrogenase and aldehyde oxidase combined deficiency of; XDH and AOX dual deficiency. Identifiers: Orphanet 3467, Orphanet 93602, MedGen C1863688, MONDO:0011346, OMIM 603592.

Allele frequency attached by ClinVar (database versions not stated): gnomAD exomes below 0.00001.
gnomAD v4.1: 1 of 1,614,196 alleles (0.000062%); highest among the groups gnomAD compares: Non-Finnish European, 0.000085%; no homozygotes.

Submission:

Labcorp Genetics (formerly Invitae), Labcorp
Classification: Uncertain significance for Xanthinuria type II. Last evaluated: 2021-11-06. Review status: criteria provided, single submitter. Criteria: Invitae Variant Classification Sherloc (09022015). Collection method: clinical testing. Allele origin: germline.
Comment: This sequence change replaces isoleucine, which is neutral and non-polar, with threonine, which is neutral and polar, at codon 780 of the MOCOS protein (p.Ile780Thr). This variant is not present in population databases (gnomAD no frequency). This variant has not been reported in the literature in individuals affected with MOCOS-related conditions. Algorithms developed to predict the effect of missense changes on protein structure and function (SIFT, PolyPhen-2, Align-GVGD) all suggest that this variant is likely to be disruptive. In summary, the available evidence is currently insufficient to determine the role of this variant in disease. Therefore, it has been classified as a Variant of Uncertain Significance.